The following is an entry in ClinVar:

NM_139343.3(BIN1):c.867G>A (p.Ala289=)

Gene: BIN1 (bridging integrator 1; minus strand). Cytogenetic location: 2q14.3.
Variant type: single nucleotide variant.
Coding change: c.867G>A on transcript NM_139343.3 (MANE Select); coding-DNA position 867, G replaced by A.
Protein change: p.Ala289=; no amino-acid change (alanine 289 retained).
Molecular consequence: synonymous variant.
Genome position (GRCh38, 1-based): chr2:127,059,146, C>T on the plus strand (G>A on the coding strand, the complement: BIN1 is on the minus strand). VCF-style: chr2-127059146-C-T. GRCh37 (hg19) VCF-style: chr2-127816722-C-T.
Other names: p.Ala289=; c.819G>A, p.Ala273= (NM_001320632.2, NM_004305.4, NM_139346.3); c.867G>A, p.Ala289= (NM_001320633.2, NM_001320640.2, NM_139344.3 and 1 more transcripts); c.702G>A, p.Ala234= (NM_001320634.1); c.774G>A, p.Ala258= (NM_001320641.2, NM_139347.3, NM_139348.3 and 3 more transcripts); c.786G>A, p.Ala262= (NM_001320642.1).
Identifiers: ClinVar variation 705619 (VCV000705619.12), dbSNP rs201839857, ClinGen allele CA1857246.

ClinVar aggregate classification (germline): Likely benign. Review status: criteria provided, multiple submitters, no conflicts (2 of 4 stars). 3 submissions from 3 submitters: Likely benign (3). Last evaluated 2026-01-12.

Conditions:
Myopathy, centronuclear, 2 (CNM2). Also called: MYOTUBULAR MYOPATHY, AUTOSOMAL RECESSIVE. Identifiers: Orphanet 169186, MedGen CN031787, MONDO:0009709, OMIM 255200.
BIN1-related disorder. Also called: BIN1-related condition.

Allele frequency attached by ClinVar (database versions not stated): gnomAD 0.00003; TOPMed 0.00025; 1000 Genomes Project 30x 0.00047; 1000 Genomes Project 0.00060.
gnomAD v4.1: 47 of 1,577,810 alleles (0.003%); highest among the groups gnomAD compares: Admixed American, 0.05%; no homozygotes.

Submissions (3):

Labcorp Genetics (formerly Invitae), Labcorp
Classification: Likely benign for Myopathy, centronuclear, 2. Last evaluated: 2026-01-12. Review status: criteria provided, single submitter. Criteria: Invitae Variant Classification Sherloc (09022015). Collection method: clinical testing. Allele origin: germline.

PreventionGenetics, part of Exact Sciences
Classification: Likely benign for BIN1-related condition. Last evaluated: 2025-02-27. Review status: criteria provided, single submitter. Criteria: ACMG Guidelines, 2015. Collection method: clinical testing. Allele origin: germline.
Comment: This variant is classified as likely benign based on ACMG/AMP sequence variant interpretation guidelines (Richards et al. 2015 PMID: 25741868, with internal and published modifications).

Mayo Clinic Laboratories, Mayo Clinic
Classification: Likely benign. Last evaluated: 2025-02-14. Review status: criteria provided, single submitter. Criteria: ACMG Guidelines, 2015. Collection method: clinical testing. Allele origin: germline. Observed: 1 variant allele.
Comment: BP4, BP7